The following is an entry in ClinVar:

ClinVar aggregate classification (germline): Uncertain significance (1 of 4 stars; one submission).

Conditions:
Spastic paraplegia. Identifiers: MedGen C0037772, HP:0001258.

Allele frequency attached by ClinVar (database versions not stated): gnomAD exomes below 0.00001.
gnomAD v4.1: 1 of 1,613,672 alleles (0.000062%); highest among the groups gnomAD compares: Non-Finnish European, 0.000085%; no homozygotes.

Submission:

Labcorp Genetics (formerly Invitae), Labcorp
Classification: Uncertain significance for Spastic paraplegia. Last evaluated: 2020-01-23. Review status: criteria provided, single submitter. Criteria: Invitae Variant Classification Sherloc (09022015). Collection method: clinical testing. Allele origin: germline.
Comment: In summary, the available evidence is currently insufficient to determine the role of this variant in disease. Therefore, it has been classified as a Variant of Uncertain Significance. Algorithms developed to predict the effect of missense changes on protein structure and function (SIFT, PolyPhen-2, Align-GVGD) all suggest that this variant is likely to be disruptive, but these predictions have not been confirmed by published functional studies and their clinical significance is uncertain. This variant has been observed in the homozygous state in an individual affected with spastic ataxia (PMID: 29482223). This variant is not present in population databases (ExAC no frequency). This sequence change replaces tryptophan with glycine at codon 303 of the CYP7B1 protein (p.Trp303Gly). The tryptophan residue is highly conserved and there is a large physicochemical difference between tryptophan and glycine.

Literature cited by the submitters: PubMed 29482223.

NM_004820.5(CYP7B1):c.907T>G (p.Trp303Gly)

Gene: CYP7B1 (cytochrome P450 family 7 subfamily B member 1; minus strand). Cytogenetic location: 8q12.3.
Variant type: single nucleotide variant.
Coding change: c.907T>G on transcript NM_004820.5 (MANE Select); coding-DNA position 907, T replaced by G.
Protein change: p.Trp303Gly; replaces tryptophan 303 with glycine.
Molecular consequence: missense variant.
Genome position (GRCh38, 1-based): chr8:64,615,176, A>C on the plus strand (T>G on the coding strand, the complement: CYP7B1 is on the minus strand). VCF-style: chr8-64615176-A-C. GRCh37 (hg19) VCF-style: chr8-65527733-A-C.
Other names: c.907T>G, p.Trp303Gly (NM_001324112.2); short protein forms W303G.
Identifiers: ClinVar variation 936505 (VCV000936505.9), dbSNP rs1430400622, ClinGen allele CA371334693.
Genomic context (GRCh38, chr8:64,615,176, plus strand): 5'-CAATTTCGTCACGCACTGCTGCCATAGCTTCTGGGTGCCGCAGAAGATAATACATTGCCC[A>C]GAACATAGTTGGAATAGTGTTTGCCACAGAGGCCCAGAGAAAGCCTAAATGATGTGCTGG-3'
Protein context (NP_004811.1, residues 293-313): SVANTIPTMF[Trp303Gly]AMYYLLRHPE